The following is an entry in ClinVar:

ClinVar aggregate classification (germline): Uncertain significance. Review status: criteria provided, multiple submitters, no conflicts (2 of 4 stars). 2 submissions from 2 submitters: Uncertain significance (2). Last evaluated 2026-01-30.

gnomAD v4.1: 1 of 1,613,088 alleles (0.000062%); highest among the groups gnomAD compares: Non-Finnish European, 0.000085%; no homozygotes.

Submissions (2):

Dasa
Classification: Uncertain significance. Last evaluated: 2026-01-30. Review status: criteria provided, single submitter. Criteria: DASA Assertion Criteria. Collection method: clinical testing. Allele origin: germline.
Comment: NM_012062.5(DNM1L):c.1534A>G (p.Ile512Val) is a missense variant that results in the substitution of isoleucine with valine. This variant is rare in population databases. Computational prediction algorithms are consistent with a benign effect. The currently available literature and clinical evidence are not sufficient to establish a definitive association between this variant and the reported condition. Therefore, this variant is classified as a variant of uncertain significance.

Labcorp Genetics (formerly Invitae), Labcorp
Classification: Uncertain significance. Last evaluated: 2025-07-30. Review status: criteria provided, single submitter. Criteria: Invitae Variant Classification Sherloc (09022015). Collection method: clinical testing. Allele origin: germline.
Comment: This sequence change replaces isoleucine, which is neutral and non-polar, with valine, which is neutral and non-polar, at codon 512 of the DNM1L protein (p.Ile512Val). This variant is not present in population databases (gnomAD no frequency). This variant has not been reported in the literature in individuals affected with DNM1L-related conditions. An algorithm developed to predict the effect of missense changes on protein structure and function (PolyPhen-2) suggests that this variant is likely to be tolerated. In summary, the available evidence is currently insufficient to determine the role of this variant in disease. Therefore, it has been classified as a Variant of Uncertain Significance.

NM_012062.5(DNM1L):c.1534A>G (p.Ile512Val)

Gene: DNM1L (dynamin 1L; plus strand). Cytogenetic location: 12p11.21.
Variant type: single nucleotide variant.
Coding change: c.1534A>G on transcript NM_012062.5 (MANE Select); coding-DNA position 1534, A replaced by G.
Protein change: p.Ile512Val; replaces isoleucine 512 with valine.
Molecular consequence: missense variant.
Genome position (GRCh38, 1-based): chr12:32,733,802, A>G. VCF-style: chr12-32733802-A-G. GRCh37 (hg19) VCF-style: chr12-32886736-A-G.
Other names: c.1534A>G, p.Ile512Val (NM_001278463.2, NM_005690.5, NM_012063.4); c.1573A>G, p.Ile525Val (NM_001278464.2, NM_001278465.2, NM_001330380.2); c.925A>G, p.Ile309Val (NM_001278466.2); short protein forms I309V, I512V, I525V.
Identifiers: ClinVar variation 4810484 (VCV004810484.3).